The following is an entry in ClinVar:

ClinVar aggregate classification (germline): Uncertain significance (1 of 4 stars; one submission).

Conditions:
Primary ciliary dyskinesia. Also called: Ciliary dyskinesia. Identifiers: Orphanet 244, MedGen C0008780, MONDO:0016575, HP:0012265.

Allele frequency attached by ClinVar (database versions not stated): gnomAD exomes below 0.00001; ExAC 0.00001; TOPMed 0.00001; 1000 Genomes Project 30x 0.00016; 1000 Genomes Project 0.00020.
gnomAD v4.1: 2 of 1,613,810 alleles (0.00012%); highest among the groups gnomAD compares: African/African-American, 0.0027%; no homozygotes.

Submission:

Labcorp Genetics (formerly Invitae), Labcorp
Classification: Uncertain significance for Primary ciliary dyskinesia. Last evaluated: 2021-08-18. Review status: criteria provided, single submitter. Criteria: Invitae Variant Classification Sherloc (09022015). Collection method: clinical testing. Allele origin: germline.
Comment: This variant is present in population databases (rs559542917, ExAC 0.01%). In summary, the available evidence is currently insufficient to determine the role of this variant in disease. Therefore, it has been classified as a Variant of Uncertain Significance. Algorithms developed to predict the effect of missense changes on protein structure and function (SIFT, PolyPhen-2, Align-GVGD) all suggest that this variant is likely to be tolerated, but these predictions have not been confirmed by published functional studies and their clinical significance is uncertain. This variant has not been reported in the literature in individuals with CCDC114-related disease. This sequence change replaces histidine with tyrosine at codon 354 of the CCDC114 protein (p.His354Tyr). The histidine residue is weakly conserved and there is a moderate physicochemical difference between histidine and tyrosine.

NM_001364171.2(ODAD1):c.1171C>T (p.His391Tyr)

Gene: ODAD1 (outer dynein arm docking complex subunit 1; minus strand). Cytogenetic location: 19q13.33.
Variant type: single nucleotide variant.
Coding change: c.1171C>T on transcript NM_001364171.2 (MANE Select); coding-DNA position 1171, C replaced by T.
Protein change: p.His391Tyr; replaces histidine 391 with tyrosine.
Molecular consequence: missense variant.
Genome position (GRCh38, 1-based): chr19:48,302,763, G>A on the plus strand (C>T on the coding strand, the complement: ODAD1 is on the minus strand). VCF-style: chr19-48302763-G-A. GRCh37 (hg19) VCF-style: chr19-48806020-G-A.
Other names: c.1060C>T, p.His354Tyr (NM_144577.4); short protein forms H354Y, H391Y.
Identifiers: ClinVar variation 655347 (VCV000655347.9), dbSNP rs559542917, ClinGen allele CA9548796.
Genomic context (GRCh38, chr19:48,302,763, plus strand): 5'-GCTTCTCCAGCTGTCCCCGCACATCCTGGAAGCGGGCCTCAAGGCGCTCAGCCTCCGAGT[G>A]CACCTTGTCCATGCGCTGCTGCAACACCTTCTGCTGCTGCTCCTGCAGCAAATGCTGGTC-3'
Protein context (NP_001351100.1, residues 381-401): KVLQQRMDKV[His391Tyr]SEAERLEARF